The following is an entry in ClinVar:

NM_022765.4(MICAL1):c.1986+19G>A

Gene: MICAL1 (microtubule associated monooxygenase, calponin and LIM domain containing 1; minus strand). Cytogenetic location: 6q21.
Variant type: single nucleotide variant.
Coding change: c.1986+19G>A on transcript NM_022765.4 (MANE Select); 19 bases into the intron after coding-DNA position 1986, G replaced by A.
Molecular consequence: intron variant.
Genome position (GRCh38, 1-based): chr6:109,447,662, C>T on the plus strand (G>A on the coding strand, the complement: MICAL1 is on the minus strand). VCF-style: chr6-109447662-C-T. GRCh37 (hg19) VCF-style: chr6-109768865-C-T.
Other names: c.2043+19G>A (NM_001286613.2); c.1728+19G>A (NM_001159291.2).
Identifiers: ClinVar variation 1911687 (VCV001911687.5), dbSNP rs373526355, ClinGen allele CA3953134.

ClinVar aggregate classification (germline): Uncertain significance (1 of 4 stars; one submission).

Allele frequency attached by ClinVar (database versions not stated): gnomAD exomes 0.00003; gnomAD 0.00005; ExAC 0.00007; TOPMed 0.00009; ESP Exome Variant Server 0.00015.
gnomAD v4.1: 56 of 1,613,758 alleles (0.0035%); highest among the groups gnomAD compares: Admixed American, 0.022%; no homozygotes.

Submission:

Labcorp Genetics (formerly Invitae), Labcorp
Classification: Uncertain significance. Last evaluated: 2025-10-18. Review status: criteria provided, single submitter. Criteria: Invitae Variant Classification Sherloc (09022015). Collection method: clinical testing. Allele origin: germline.
Comment: This sequence change falls in intron 15 of the MICAL1 gene. It does not directly change the encoded amino acid sequence of the MICAL1 protein. The frequency data for this variant in the population databases is considered unreliable, as metrics indicate poor data quality at this position in the gnomAD database. This variant has not been reported in the literature in individuals affected with MICAL1-related conditions. ClinVar contains an entry for this variant (Variation ID: 1911687). Algorithms developed to predict the effect of sequence changes on RNA splicing suggest that this variant may disrupt the consensus splice site. In summary, the available evidence is currently insufficient to determine the role of this variant in disease. Therefore, it has been classified as a Variant of Uncertain Significance.